The following is an entry in ClinVar:

ClinVar aggregate classification (germline): Uncertain significance. Review status: criteria provided, multiple submitters, no conflicts (2 of 4 stars). 2 submissions from 2 submitters: Uncertain significance (2). Last evaluated 2022-04-11.

Conditions:
Developmental and epileptic encephalopathy, 42 (DEE42A). Also called: Epileptic encephalopathy, early infantile, 42; DEVELOPMENTAL AND EPILEPTIC ENCEPHALOPATHY 42A; EPILEPTIC ENCEPHALOPATHY, EARLY INFANTILE, 42A. Identifiers: MedGen C4310716, MONDO:0014917, OMIM 617106.
Episodic ataxia type 2 (EA2). Also called: EPISODIC ATAXIA, NYSTAGMUS-ASSOCIATED; ACETAZOLAMIDE-RESPONSIVE HEREDITARY PAROXYSMAL CEREBELLAR ATAXIA; ATAXIA, EPISODIC, WITH NYSTAGMUS; ATAXIA, FAMILIAL PAROXYSMAL; CEREBELLAR ATAXIA, PAROXYSMAL, ACETAZOLAMIDE-RESPONSIVE; CEREBELLOPATHY, HEREDITARY PAROXYSMAL. Identifiers: Orphanet 97, MedGen C1720416, MONDO:0007163, OMIM 108500.

Allele frequency attached by ClinVar (database versions not stated): gnomAD exomes below 0.00001.
gnomAD v4.1: 2 of 1,613,902 alleles (0.00012%); highest among the groups gnomAD compares: Non-Finnish European, 0.00017%; no homozygotes.

Submissions (2):

GeneDx
Classification: Uncertain significance. Last evaluated: 2022-04-11. Review status: criteria provided, single submitter. Criteria: GeneDx Variant Classification Process June 2021. Collection method: clinical testing. Allele origin: germline. Affected: yes.
Comment: Not observed at significant frequency in large population cohorts (gnomAD); In silico analysis supports that this missense variant has a deleterious effect on protein structure/function; Has not been previously published as pathogenic or benign to our knowledge

Labcorp Genetics (formerly Invitae), Labcorp
Classification: Uncertain significance for Developmental and epileptic encephalopathy, 42; Episodic ataxia type 2. Last evaluated: 2021-10-21. Review status: criteria provided, single submitter. Criteria: Invitae Variant Classification Sherloc (09022015). Collection method: clinical testing. Allele origin: germline.
Comment: In summary, the available evidence is currently insufficient to determine the role of this variant in disease. Therefore, it has been classified as a Variant of Uncertain Significance. Advanced modeling of protein sequence and biophysical properties (such as structural, functional, and spatial information, amino acid conservation, physicochemical variation, residue mobility, and thermodynamic stability) performed at Invitae indicates that this missense variant is not expected to disrupt CACNA1A protein function. This variant has not been reported in the literature in individuals affected with CACNA1A-related conditions. This variant is not present in population databases (ExAC no frequency). This sequence change replaces proline with serine at codon 2084 of the CACNA1A protein (p.Pro2084Ser). The proline residue is moderately conserved and there is a moderate physicochemical difference between proline and serine.

NM_001127222.2(CACNA1A):c.6247C>T (p.Pro2083Ser)

Gene: CACNA1A (calcium voltage-gated channel subunit alpha1 A; minus strand). Cytogenetic location: 19p13.13.
Variant type: single nucleotide variant.
Coding change: c.6247C>T on transcript NM_001127222.2 (MANE Select); coding-DNA position 6247, C replaced by T.
Protein change: p.Pro2083Ser; replaces proline 2083 with serine.
Molecular consequence: missense variant.
Genome position (GRCh38, 1-based): chr19:13,212,159, G>A on the plus strand (C>T on the coding strand, the complement: CACNA1A is on the minus strand). VCF-style: chr19-13212159-G-A. GRCh37 (hg19) VCF-style: chr19-13322973-G-A.
Other names: c.6265C>T, p.Pro2089Ser (NM_000068.4, NM_023035.3); c.6250C>T, p.Pro2084Ser (NM_001127221.2); c.6256C>T, p.Pro2086Ser (NM_001174080.2); short protein forms P2084S, P2083S, P2086S, P2089S.
Identifiers: ClinVar variation 1379935 (VCV001379935.7), dbSNP rs1244966977, ClinGen allele CA404332303.